The following is an entry in ClinVar:

NM_133497.4(KCNV2):c.547G>T (p.Glu183Ter)

Gene: KCNV2 (potassium voltage-gated channel modifier subfamily V member 2; plus strand). Cytogenetic location: 9p24.2.
Variant type: single nucleotide variant.
Coding change: c.547G>T on transcript NM_133497.4 (MANE Select); coding-DNA position 547, G replaced by T.
Protein change: p.Glu183Ter; replaces glutamic acid 183 with a stop codon.
Molecular consequence: nonsense.
Genome position (GRCh38, 1-based): chr9:2,718,286, G>T. VCF-style: chr9-2718286-G-T. GRCh37 (hg19) VCF-style: chr9-2718286-G-T.
Other names: short protein forms E183*.
Identifiers: ClinVar variation 1451899 (VCV001451899.6), dbSNP rs1272477167, ClinGen allele CA372798407.

ClinVar aggregate classification (germline): Pathogenic (1 of 4 stars; one submission).

Submission:

Labcorp Genetics (formerly Invitae), Labcorp
Classification: Pathogenic. Last evaluated: 2022-10-05. Review status: criteria provided, single submitter. Criteria: Invitae Variant Classification Sherloc (09022015). Collection method: clinical testing. Allele origin: germline.
Comment: For these reasons, this variant has been classified as Pathogenic. ClinVar contains an entry for this variant (Variation ID: 1451899). This sequence change creates a premature translational stop signal (p.Glu183*) in the KCNV2 gene. It is expected to result in an absent or disrupted protein product. Loss-of-function variants in KCNV2 are known to be pathogenic (PMID: 16909397, 18235024). This variant is not present in population databases (gnomAD no frequency). This variant has not been reported in the literature in individuals affected with KCNV2-related conditions.

Literature cited by the submitters: PubMed 16909397; PubMed 18235024.